The following is an entry in ClinVar:

NM_000815.5(GABRD):c.154G>T (p.Ala52Ser)

Gene: GABRD (gamma-aminobutyric acid type A receptor subunit delta; plus strand). Cytogenetic location: 1p36.33.
Variant type: single nucleotide variant.
Coding change: c.154G>T on transcript NM_000815.5 (MANE Select); coding-DNA position 154, G replaced by T.
Protein change: p.Ala52Ser; replaces alanine 52 with serine.
Molecular consequence: missense variant.
Genome position (GRCh38, 1-based): chr1:2,025,027, G>T. VCF-style: chr1-2025027-G-T. GRCh37 (hg19) VCF-style: chr1-1956466-G-T.
Other names: short protein forms A52S.
Identifiers: ClinVar variation 2135853 (VCV002135853.4), dbSNP rs758688035, ClinGen allele CA337955684.

ClinVar aggregate classification (germline): Uncertain significance (1 of 4 stars; one submission).

Conditions:
Idiopathic generalized epilepsy. Also called: EIG; Generalised epilepsy. Identifiers: MedGen C0270850, MONDO:0005579, OMIM 600669.

Submission:

Labcorp Genetics (formerly Invitae), Labcorp
Classification: Uncertain significance for Idiopathic generalized epilepsy. Last evaluated: 2022-09-06. Review status: criteria provided, single submitter. Criteria: Invitae Variant Classification Sherloc (09022015). Collection method: clinical testing. Allele origin: germline.
Comment: In summary, the available evidence is currently insufficient to determine the role of this variant in disease. Therefore, it has been classified as a Variant of Uncertain Significance. Algorithms developed to predict the effect of missense changes on protein structure and function are either unavailable or do not agree on the potential impact of this missense change (SIFT: "Tolerated"; PolyPhen-2: "Probably Damaging"; Align-GVGD: "Class C0"). This variant has not been reported in the literature in individuals affected with GABRD-related conditions. This variant is not present in population databases (gnomAD no frequency). This sequence change replaces alanine, which is neutral and non-polar, with serine, which is neutral and polar, at codon 52 of the GABRD protein (p.Ala52Ser).